The following is an entry in ClinVar:

ClinVar aggregate classification (germline): Likely benign (1 of 4 stars; one submission).

Allele frequency attached by ClinVar (database versions not stated): 1000 Genomes Project 30x 0.00219; 1000 Genomes Project 0.00280; TOPMed 0.00564; ESP Exome Variant Server 0.00731; gnomAD exomes 0.00977; ExAC 0.01345.
gnomAD v4.1: 15,474 of 1,604,196 alleles (0.96%); highest among the groups gnomAD compares: Non-Finnish European, 0.99%; 140 homozygotes.

Submission:

CeGaT Center for Human Genetics Tuebingen
Classification: Likely benign. Last evaluated: 2024-11-01. Review status: criteria provided, single submitter. Criteria: CeGaT Center For Human Genetics Tuebingen Variant Classification Criteria Version 2. Collection method: clinical testing. Allele origin: germline. Affected: yes. Observed: 2 variant alleles.
Comment: PRTN3: BP4, BS2

NM_002777.4(PRTN3):c.746G>A (p.Arg249His)

Gene: PRTN3 (proteinase 3; plus strand). Cytogenetic location: 19p13.3.
Variant type: single nucleotide variant.
Coding change: c.746G>A on transcript NM_002777.4 (MANE Select); coding-DNA position 746, G replaced by A.
Protein change: p.Arg249His; replaces arginine 249 with histidine.
Molecular consequence: missense variant.
Genome position (GRCh38, 1-based): chr19:847,944, G>A. VCF-style: chr19-847944-G-A. GRCh37 (hg19) VCF-style: chr19-847944-G-A.
Other names: short protein forms R249H.
Identifiers: ClinVar variation 3024761 (VCV003024761.22), dbSNP rs150802678, ClinGen allele CA9025858.
Genomic context (GRCh38, chr19:847,944, plus strand): 5'-TCCCTGACTTCTTCACGCGGGTAGCCCTCTACGTGGACTGGATCCGTTCCACGCTGCGCC[G>A]TGTGGAGGCCAAGGGCCGCCCCTGAACCGCCCCTCCCACAGCGCTGGCCGGGACCCCGAG-3'
Protein context (NP_002768.3, residues 239-256): YVDWIRSTLR[Arg249His]VEAKGRP